The following is an entry in ClinVar:

ClinVar aggregate classification (germline): Likely benign. Review status: criteria provided, single submitter (1 of 4 stars). 2 submissions from 2 submitters: Likely benign (1). 1 of the submissions does not count toward it. Last evaluated 2025-04-07.

Conditions:
McKusick-Kaufman syndrome (MKKS). Also called: HYDROMETROCOLPOS SYNDROME; HYDROMETROCOLPOS, POSTAXIAL POLYDACTYLY, AND CONGENITAL HEART MALFORMATION. Identifiers: Orphanet 2473, MedGen C0948368, MONDO:0009367, OMIM 236700.
Bardet-Biedl syndrome (BBS). Identifiers: Orphanet 110, MedGen C0752166, MONDO:0015229.
MKKS-related disorder. Also called: MKKS-related condition; MKKS-related disorders.

Allele frequency attached by ClinVar (database versions not stated): gnomAD exomes 0.00001; ExAC 0.00002.
gnomAD v4.1: 36 of 1,614,008 alleles (0.0022%); highest among the groups gnomAD compares: Non-Finnish European, 0.0026%; no homozygotes.

Submissions (2):

Labcorp Genetics (formerly Invitae), Labcorp
Classification: Likely benign for McKusick-Kaufman syndrome; Bardet-Biedl syndrome. Last evaluated: 2025-04-07. Review status: criteria provided, single submitter. Criteria: Invitae Variant Classification Sherloc (09022015). Collection method: clinical testing. Allele origin: germline.

PreventionGenetics, part of Exact Sciences
Classification: Likely benign for MKKS-related condition. Last evaluated: 2021-04-12. Review status: no assertion criteria provided. Collection method: clinical testing. Allele origin: germline. Not counted in ClinVar's aggregate classification.
Comment: This variant is classified as likely benign based on ACMG/AMP sequence variant interpretation guidelines (Richards et al. 2015 PMID: 25741868, with internal and published modifications).

NM_170784.3(MKKS):c.525T>C (p.Ser175=)

Gene: MKKS (MKKS centrosomal shuttling protein; minus strand). Cytogenetic location: 20p12.2.
Variant type: single nucleotide variant.
Coding change: c.525T>C on transcript NM_170784.3 (MANE Select); coding-DNA position 525, T replaced by C.
Protein change: p.Ser175=; no amino-acid change (serine 175 retained).
Molecular consequence: synonymous variant.
Genome position (GRCh38, 1-based): chr20:10,412,990, A>G on the plus strand (T>C on the coding strand, the complement: MKKS is on the minus strand). VCF-style: chr20-10412990-A-G. GRCh37 (hg19) VCF-style: chr20-10393638-A-G.
Other names: c.525T>C, p.Ser175= (NM_018848.3).
Identifiers: ClinVar variation 1603203 (VCV001603203.9), dbSNP rs745771800, ClinGen allele CA9763661.